The following is an entry in ClinVar:

NM_032607.3(CREB3L3):c.767C>T (p.Ser256Leu)

Gene: CREB3L3 (cAMP responsive element binding protein 3 like 3; plus strand). Cytogenetic location: 19p13.3.
Variant type: single nucleotide variant.
Coding change: c.767C>T on transcript NM_032607.3 (MANE Select); coding-DNA position 767, C replaced by T.
Protein change: p.Ser256Leu; replaces serine 256 with leucine.
Molecular consequence: missense variant. On other transcripts: intron variant (1).
Genome position (GRCh38, 1-based): chr19:4,168,403, C>T. VCF-style: chr19-4168403-C-T. GRCh37 (hg19) VCF-style: chr19-4168400-C-T.
Other names: c.764C>T, p.Ser255Leu (NM_001271995.2); c.761C>T, p.Ser254Leu (NM_001271996.2); c.715-1737C>T (NM_001271997.2); short protein forms S254L, S255L, S256L.
Identifiers: ClinVar variation 3616497 (VCV003616497.2).

ClinVar aggregate classification (germline): Uncertain significance (1 of 4 stars; one submission).

Submission:

Labcorp Genetics (formerly Invitae), Labcorp
Classification: Uncertain significance. Last evaluated: 2024-01-30. Review status: criteria provided, single submitter. Criteria: Invitae Variant Classification Sherloc (09022015). Collection method: clinical testing. Allele origin: germline.
Comment: This sequence change replaces serine, which is neutral and polar, with leucine, which is neutral and non-polar, at codon 256 of the CREB3L3 protein (p.Ser256Leu). This variant is not present in population databases (gnomAD no frequency). This variant has not been reported in the literature in individuals affected with CREB3L3-related conditions. Advanced modeling of protein sequence and biophysical properties (such as structural, functional, and spatial information, amino acid conservation, physicochemical variation, residue mobility, and thermodynamic stability) performed at Invitae indicates that this missense variant is expected to disrupt CREB3L3 protein function with a positive predictive value of 80%. In summary, the available evidence is currently insufficient to determine the role of this variant in disease. Therefore, it has been classified as a Variant of Uncertain Significance.